The following is an entry in ClinVar:

NM_001267550.2(TTN):c.84566A>G (p.Tyr28189Cys)

Genes: TTN (titin; minus strand), TTN-AS1 (TTN antisense RNA 1; plus strand). Cytogenetic location: 2q31.2.
Variant type: single nucleotide variant.
Coding change: c.84566A>G on transcript NM_001267550.2 (MANE Select); coding-DNA position 84566, A replaced by G.
Protein change: p.Tyr28189Cys; replaces tyrosine 28189 with cysteine.
Molecular consequence: missense variant.
Genome position (GRCh38, 1-based): chr2:178,561,566, T>C on the plus strand (A>G on the coding strand, the complement: TTN is on the minus strand). VCF-style: chr2-178561566-T-C. GRCh37 (hg19) VCF-style: chr2-179426293-T-C.
Other names: c.79643A>G, p.Tyr26548Cys (NM_001256850.1); c.57371A>G, p.Tyr19124Cys (NM_003319.4); c.76862A>G, p.Tyr25621Cys (NM_133378.4); c.57746A>G, p.Tyr19249Cys (NM_133432.3); c.57947A>G, p.Tyr19316Cys (NM_133437.4); short protein forms Y19124C, Y19249C, Y19316C, Y25621C, Y26548C, Y28189C.
Identifiers: ClinVar variation 4880105 (VCV004880105.1).

ClinVar aggregate classification (germline): Uncertain significance (1 of 4 stars; one submission).

Conditions:
Primary ciliary dyskinesia. Also called: Ciliary dyskinesia. Identifiers: Orphanet 244, MedGen C0008780, MONDO:0016575, HP:0012265.

gnomAD v4.1: 2 of 1,613,324 alleles (0.00012%); highest among the groups gnomAD compares: Non-Finnish European, 0.00017%; no homozygotes.

Submission:

Department of Human Genetics, Hannover Medical School
Classification: Uncertain significance for Primary Ciliary Dyskinesia. Last evaluated: 2026-04-01. Review status: criteria provided, single submitter. Criteria: ACMG Guidelines, 2015. Collection method: research. Allele origin: germline. Affected: no.
Comment: Classification performed by HerediClassify using the following criteria:['PM2_supporting: Variant occures does not occur as homozygous in gnomAD.', 'PP3_protein_supporting: Variant is predicted to be pathogenic by REVEL with evidence strength supporting.', "PP4_moderate: The PICADAR socre of 6.0 exceeds threshold of 6 achieving 'moderate' evidence strength."]